The following is an entry in ClinVar:

ClinVar aggregate classification (germline): Benign. Review status: criteria provided, multiple submitters, no conflicts (2 of 4 stars). 2 submissions from 2 submitters: Benign (2). Last evaluated 2024-01-24.

Submissions (2):

Unidad de Genómica Garrahan, Hospital de Pediatría Garrahan
Classification: Benign. Last evaluated: 2024-01-24. Review status: criteria provided, single submitter. Criteria: ACMG Guidelines, 2015. Collection method: clinical testing. Allele origin: germline. Affected: no. Observed: 19 variant alleles.
Comment: This variant is classified as Benign based on local population frequency. This variant was detected in 22% of patients studied by a panel of primary immunodeficiencies. Number of patients: 19. Only high quality variants are reported.

GeneDx
Classification: Benign. Last evaluated: 2018-07-09. Review status: criteria provided, single submitter. Criteria: GeneDx Variant Classification Process June 2021. Collection method: clinical testing. Allele origin: germline. Affected: yes.

NM_004612.4(TGFBR1):c.1386+90_1386+94del

Gene: TGFBR1 (transforming growth factor beta receptor 1; plus strand). Cytogenetic location: 9q22.33.
Variant type: Deletion.
Coding change: c.1386+90_1386+94del on transcript NM_004612.4 (MANE Select); bases 90 to 94 of the intron after coding-DNA position 1386, 5 bases deleted (TCTTT; older notation c.1386+90_1386+94delTCTTT).
Molecular consequence: intron variant.
Genome position (GRCh38, 1-based): chr9:99,147,874-99,147,878, TCTTT deleted; deleting any 5 consecutive bases within chr9:99,147,870-99,147,878 gives the same sequence; the c. name uses the placement nearest the transcript's 3' end. VCF-style (leftmost placement, unchanged base first): chr9-99147869-ACTTTT-A. GRCh37 (hg19) VCF-style: chr9-101910151-ACTTTT-A.
Other names: c.1398+90_1398+94del (NM_001306210.2); c.1155+90_1155+94del (NM_001130916.3).
Identifiers: ClinVar variation 1293200 (VCV001293200.4), dbSNP rs56020300, ClinGen allele CA196895011.